The following is an entry in ClinVar:

ClinVar aggregate classification (germline): Benign. Review status: criteria provided, multiple submitters, no conflicts (2 of 4 stars). 6 submissions from 6 submitters: Benign (6). Last evaluated 2026-02-02.

Conditions:
Microphthalmia, isolated, with coloboma 9 (MCOPCB9). Identifiers: Orphanet 98938, MedGen C3554592, MONDO:0014059, OMIM 615145.

Allele frequency attached by ClinVar (database versions not stated): 1000 Genomes Project 0.16474; 1000 Genomes Project 30x 0.16521; ESP Exome Variant Server 0.17155; TOPMed 0.17400; gnomAD 0.17773 and 0.17840; gnomAD exomes 0.19723 and 0.21190; ExAC 0.19882.
gnomAD v4.1: 336,931 of 1,612,446 alleles (21%); highest among the groups gnomAD compares: Middle Eastern, 25%; 36,452 homozygotes.

Submissions (6):

Labcorp Genetics (formerly Invitae), Labcorp
Classification: Benign. Last evaluated: 2026-02-02. Review status: criteria provided, single submitter. Criteria: Invitae Variant Classification Sherloc (09022015). Collection method: clinical testing. Allele origin: germline.

Blueprint Genetics
Classification: Benign. Last evaluated: 2024-11-26. Review status: criteria provided, single submitter. Criteria: ACMG Guidelines, 2015. Collection method: clinical testing. Allele origin: germline.

Genome-Nilou Lab
Classification: Benign for Microphthalmia, isolated, with coloboma 9. Last evaluated: 2021-09-10. Review status: criteria provided, single submitter. Criteria: ACMG Guidelines, 2015. Collection method: clinical testing. Allele origin: germline. Affected: no.

GeneDx
Classification: Benign. Last evaluated: 2018-06-19. Review status: criteria provided, single submitter. Criteria: GeneDx Variant Classification (06012015). Collection method: clinical testing. Allele origin: germline. Affected: yes.
Comment: This variant is considered likely benign or benign based on one or more of the following criteria: it is a conservative change, it occurs at a poorly conserved position in the protein, it is predicted to be benign by multiple in silico algorithms, and/or has population frequency not consistent with disease.

Breakthrough Genomics
Classification: Benign. Review status: criteria provided, single submitter. Criteria: ACMG Guidelines, 2015. Collection method: not provided. Allele origin: germline. Inheritance: Autosomal recessive inheritance. Affected: yes.

PreventionGenetics, part of Exact Sciences
Classification: Benign. Review status: criteria provided, single submitter. Criteria: ACMG Guidelines, 2015. Collection method: clinical testing. Allele origin: germline.

NM_001080477.4(TENM3):c.3957C>T (p.Gly1319=)

Gene: TENM3 (teneurin transmembrane protein 3; plus strand). Cytogenetic location: 4q35.1.
Variant type: single nucleotide variant.
Coding change: c.3957C>T on transcript NM_001080477.4 (MANE Select); coding-DNA position 3957, C replaced by T.
Protein change: p.Gly1319=; no amino-acid change (glycine 1319 retained).
Molecular consequence: synonymous variant.
Genome position (GRCh38, 1-based): chr4:182,753,544, C>T. VCF-style: chr4-182753544-C-T. GRCh37 (hg19) VCF-style: chr4-183674697-C-T.
Identifiers: ClinVar variation 257353 (VCV000257353.15), dbSNP rs17263582, ClinGen allele CA3148350.
Genomic context (GRCh38, chr4:182,753,544, plus strand): 5'-TGTTGATGGAACCATGATTAGGAAAGTTGACCAAAATGGAATCATATCAACTCTTCTGGG[C>T]TCTAACGATTTGACTTCAGCCAGACCTTTAACTTGTGACACCAGCATGCACATCAGCCAG-3'
Protein context (NP_001073946.1, residues 1309-1329): DQNGIISTLL[Gly1319=]SNDLTSARPL